The following is an entry in ClinVar:

ClinVar aggregate classification (germline): Uncertain significance (1 of 4 stars; one submission).

Allele frequency attached by ClinVar (database versions not stated): TOPMed 0.00001; ExAC 0.00002.

Submission:

Labcorp Genetics (formerly Invitae), Labcorp
Classification: Uncertain significance. Last evaluated: 2022-11-01. Review status: criteria provided, single submitter. Criteria: Invitae Variant Classification Sherloc (09022015). Collection method: clinical testing. Allele origin: germline.
Comment: This variant is present in population databases (rs751529750, gnomAD 0.007%). In summary, the available evidence is currently insufficient to determine the role of this variant in disease. Therefore, it has been classified as a Variant of Uncertain Significance. Advanced modeling of protein sequence and biophysical properties (such as structural, functional, and spatial information, amino acid conservation, physicochemical variation, residue mobility, and thermodynamic stability) performed at Invitae indicates that this missense variant is not expected to disrupt NKX3-2 protein function. This variant has not been reported in the literature in individuals affected with NKX3-2-related conditions. This sequence change replaces arginine, which is basic and polar, with proline, which is neutral and non-polar, at codon 106 of the NKX3-2 protein (p.Arg106Pro).

NM_001189.4(NKX3-2):c.317G>C (p.Arg106Pro)

Gene: NKX3-2 (NK3 homeobox 2; minus strand). Cytogenetic location: 4p15.33.
Variant type: single nucleotide variant.
Coding change: c.317G>C on transcript NM_001189.4 (MANE Select); coding-DNA position 317, G replaced by C.
Protein change: p.Arg106Pro; replaces arginine 106 with proline.
Molecular consequence: missense variant.
Genome position (GRCh38, 1-based): chr4:13,544,098, C>G on the plus strand (G>C on the coding strand, the complement: NKX3-2 is on the minus strand). VCF-style: chr4-13544098-C-G. GRCh37 (hg19) VCF-style: chr4-13545722-C-G.
Other names: short protein forms R106P.
Identifiers: ClinVar variation 1982169 (VCV001982169.4), dbSNP rs751529750, ClinGen allele CA2860425.